The following is an entry in ClinVar:

NM_000037.4(ANK1):c.1849del (p.Val617fs)

Gene: ANK1 (ankyrin 1; minus strand). Cytogenetic location: 8p11.21.
Variant type: Deletion.
Coding change: c.1849del on transcript NM_000037.4 (MANE Select); coding-DNA position 1849, one base deleted (G; older notation c.1849delG).
Protein change: p.Val617fs; shifts the reading frame from valine 617.
Molecular consequence: frameshift variant.
Genome position (GRCh38, 1-based): chr8:41,708,927, C deleted on the plus strand (G on the coding strand, the reverse complement: ANK1 is on the minus strand); the first of 2 consecutive C bases (chr8:41,708,927-41,708,928); deleting either gives the same sequence. VCF-style (leftmost placement, unchanged base first): chr8-41708926-AC-A. GRCh37 (hg19) VCF-style: chr8-41566444-AC-A.
Other names: c.1948del, p.Val650fs (NM_001142446.2); c.1849del, p.Val617fs (NM_020475.3, NM_020476.3, NM_020477.3); short protein forms V617fs, V650fs.
Identifiers: ClinVar variation 3766534 (VCV003766534.1).

ClinVar aggregate classification (germline): Pathogenic (1 of 4 stars; one submission).

Conditions:
Hereditary spherocytosis type 1. Also called: Spherocytosis type 1; ANK1-Related Spherocytosis. Identifiers: Orphanet 822, MedGen C2674218, MONDO:0008447, OMIM 182900.

Submission:

ARUP Laboratories, Molecular Genetics and Genomics, ARUP Laboratories
Classification: Pathogenic for Hereditary spherocytosis type 1. Last evaluated: 2024-03-27. Review status: criteria provided, single submitter. Criteria: ARUP Molecular Germline Variant Investigation Process 2024. Collection method: clinical testing. Allele origin: germline.
Comment: The ANK1 c.1849del; p.Val617TrpfsTer20 variant, to our knowledge, is not reported in the medical literature or gene specific databases. This variant is also absent from the Genome Aggregation Database (v2.1.1), indicating it is not a common polymorphism. This variant causes a frameshift by deleting a single nucleotide, so it is predicted to result in a truncated protein or mRNA subject to nonsense-mediated decay. Based on available information, this variant is considered to be pathogenic.